The following is an entry in ClinVar:

ClinVar aggregate classification (germline): Likely benign (1 of 4 stars; one submission).

Allele frequency attached by ClinVar (database versions not stated): gnomAD exomes below 0.00001.
gnomAD v4.1: 2 of 1,614,082 alleles (0.00012%); highest among the groups gnomAD compares: Non-Finnish European, 0.00017%; no homozygotes.

Submission:

CeGaT Center for Human Genetics Tuebingen
Classification: Likely benign. Last evaluated: 2022-05-01. Review status: criteria provided, single submitter. Criteria: CeGaT Center For Human Genetics Tuebingen Variant Classification Criteria Version 2. Collection method: clinical testing. Allele origin: germline. Affected: yes. Observed: 1 variant allele.
Comment: COL4A1: PM2:Supporting, BP4, BP7

NM_001845.6(COL4A1):c.2763C>T (p.Gly921=)

Gene: COL4A1 (collagen type IV alpha 1 chain; minus strand). Cytogenetic location: 13q34.
Variant type: single nucleotide variant.
Coding change: c.2763C>T on transcript NM_001845.6 (MANE Select); coding-DNA position 2763, C replaced by T.
Protein change: p.Gly921=; no amino-acid change (glycine 921 retained).
Molecular consequence: synonymous variant.
Genome position (GRCh38, 1-based): chr13:110,176,991, G>A on the plus strand (C>T on the coding strand, the complement: COL4A1 is on the minus strand). VCF-style: chr13-110176991-G-A. GRCh37 (hg19) VCF-style: chr13-110829338-G-A.
Identifiers: ClinVar variation 2643941 (VCV002643941.24), dbSNP rs2501777400, ClinGen allele CA484789767.
Genomic context (GRCh38, chr13:110,176,991, plus strand): 5'-CACCTTATCCATGGAGCCAGGCTTGCCAGGGAGACCGACATCCCCCTTATCACCTTTCAA[G>A]CCAGGGTCTCCCCTGGGTCCTGAGGAGCCCGGAAAGCCATGGTCCCCTGCAGAGGAAAGA-3'
Protein context (NP_001836.3, residues 911-931): PGSSGPRGDP[Gly921=]LKGDKGDVGL